The following is an entry in ClinVar:

ClinVar aggregate classification (germline): Uncertain significance (1 of 4 stars; one submission).

gnomAD v4.1: 1 of 1,614,114 alleles (0.000062%); highest among the groups gnomAD compares: Non-Finnish European, 0.000085%; no homozygotes.

Submission:

Labcorp Genetics (formerly Invitae), Labcorp
Classification: Uncertain significance. Last evaluated: 2025-03-05. Review status: criteria provided, single submitter. Criteria: Invitae Variant Classification Sherloc (09022015). Collection method: clinical testing. Allele origin: germline.
Comment: This sequence change replaces serine, which is neutral and polar, with threonine, which is neutral and polar, at codon 1271 of the ERBIN protein (p.Ser1271Thr). This variant is not present in population databases (gnomAD no frequency). This variant has not been reported in the literature in individuals affected with ERBIN-related conditions. An algorithm developed to predict the effect of missense changes on protein structure and function (PolyPhen-2) suggests that this variant is likely to be disruptive. In summary, the available evidence is currently insufficient to determine the role of this variant in disease. Therefore, it has been classified as a Variant of Uncertain Significance.

NM_001253697.2(ERBIN):c.3812G>C (p.Ser1271Thr)

Gene: ERBIN (erbb2 interacting protein; plus strand). Cytogenetic location: 5q12.3.
Variant type: single nucleotide variant.
Coding change: c.3812G>C on transcript NM_001253697.2 (MANE Select); coding-DNA position 3812, G replaced by C.
Protein change: p.Ser1271Thr; replaces serine 1271 with threonine.
Molecular consequence: missense variant. On other transcripts: intron variant (1).
Genome position (GRCh38, 1-based): chr5:66,075,079, G>C. VCF-style: chr5-66075079-G-C. GRCh37 (hg19) VCF-style: chr5-65370907-G-C.
Other names: c.3689G>C, p.Ser1230Thr (NM_001253698.2, NM_018695.4); c.3833G>C, p.Ser1278Thr (NM_001253699.2); c.3677G>C, p.Ser1226Thr (NM_001253701.2); c.3634-1237G>C (NM_001006600.3); short protein forms S1278T, S1226T, S1230T, S1271T.
Identifiers: ClinVar variation 4714404 (VCV004714404.1).